The following is an entry in ClinVar:

ClinVar aggregate classification (germline): Likely benign. Review status: reviewed by expert panel (3 of 4 stars). 3 submissions from 3 submitters: Likely benign (1). 2 of the submissions do not count toward it. Last evaluated 2025-07-16.

Conditions:
Type 2 diabetes mellitus. Also called: Type II diabetes mellitus. Identifiers: MedGen C0011860, MeSH D003924, MONDO:0005148, OMIM 125853, HP:0005978.
Fanconi renotubular syndrome 4 with maturity-onset diabetes of the young (FRTS4). Also called: FRTS4 WITH MODY. Identifiers: Orphanet 93111, MedGen C4014962, MONDO:0014458, OMIM 616026.
Maturity-onset diabetes of the young type 1. Also called: MILD JUVENILE DIABETES MELLITUS; MODY type 1; Diabetes mellitus MODY type 1; MODY HNF4A related; HNF4A-Related Maturity-Onset Diabetes of the Young Type 1; MODY, type I. Identifiers: Orphanet 552, MedGen C1852093, MONDO:0007452, OMIM 125850. Disease mechanism: loss of function.
Monogenic diabetes. Identifiers: Orphanet 183625, MedGen C3888631, MONDO:0015967.

Submissions (3):

ClinGen Monogenic Diabetes Variant Curation Expert Panel
Classification: Likely benign for Monogenic diabetes. Last evaluated: 2025-07-16. Review status: reviewed by expert panel. Criteria: ClinGen Diabetes ACMG Specifications HNF4A V3.0.0. Collection method: curation. Allele origin: germline. Inheritance: Autosomal dominant inheritance.
Comment: The c.999C>G variant in the hepatocyte nuclear factor 4-alpha gene, HNF4A, causes an amino acid change of isoleucine to methionine at codon 333 (p.(Ile333Met)) of NM_175914.4. This variant is predicted to be deleterious by computational evidence, with a REVEL score of 0.72, which is greater than the MDEP VCEP threshold of 0.70 (PP3). This variant occurs within the ligand binding domain of HNF4A (codons 180-220 and 300-350), which is defined as critical for the protein's function by the ClinGen MDEP (PM1_Supporting). However, it has a Grpmax Filtering allele frequency in gnomAD v4.1 of 0.00007656, which is greater than or equal to the MDEP threshold for BS1 (0.000033) (BS1). Additionally, it was identified in an individual with an alternate molecular basis for monogenic diabetes (BP5; internal lab contributors). In summary, c.999C>G meets the criteria to be classified as likely benign for monogenic diabetes. ACMG/AMP criteria applied, as specified by the ClinGen MDEP (specification version 3.0.0, approved 6/30/2025): BS1, BP5, PM1_Supporting, PP3.

Labcorp Genetics (formerly Invitae), Labcorp
Classification: Uncertain significance. Last evaluated: 2025-12-23. Review status: criteria provided, single submitter. Criteria: Invitae Variant Classification Sherloc (09022015). Collection method: clinical testing. Allele origin: germline. Not counted in ClinVar's aggregate classification.
Comment: This sequence change replaces isoleucine, which is neutral and non-polar, with methionine, which is neutral and non-polar, at codon 333 of the HNF4A protein (p.Ile333Met). This variant is present in population databases (rs150247632, gnomAD 0.004%). This variant has not been reported in the literature in individuals affected with HNF4A-related conditions. ClinVar contains an entry for this variant (Variation ID: 3587260). Invitae Evidence Modeling of protein sequence and biophysical properties (such as structural, functional, and spatial information, amino acid conservation, physicochemical variation, residue mobility, and thermodynamic stability) has been performed for this missense variant. However, the output from this modeling did not meet the statistical confidence thresholds required to predict the impact of this variant on HNF4A protein function. In summary, the available evidence is currently insufficient to determine the role of this variant in disease. Therefore, it has been classified as a Variant of Uncertain Significance.

Fulgent Genetics
Classification: Uncertain significance for Maturity-onset diabetes of the young type 1; Type 2 diabetes mellitus; Fanconi renotubular syndrome 4 with maturity-onset diabetes of the young. Last evaluated: 2024-01-20. Review status: criteria provided, single submitter. Criteria: ACMG Guidelines, 2015. Collection method: clinical testing. Allele origin: germline. Not counted in ClinVar's aggregate classification.

NM_175914.5(HNF4A):c.999C>G (p.Ile333Met)

Gene: HNF4A (hepatocyte nuclear factor 4 alpha; plus strand). Cytogenetic location: 20q13.12.
Variant type: single nucleotide variant.
Coding change: c.999C>G on transcript NM_175914.5 (MANE Select); coding-DNA position 999, C replaced by G.
Protein change: p.Ile333Met; replaces isoleucine 333 with methionine.
Molecular consequence: missense variant.
Genome position (GRCh38, 1-based): chr20:44,424,190, C>G. VCF-style: chr20-44424190-C-G. GRCh37 (hg19) VCF-style: chr20-43052830-C-G.
Other names: NM_175914.5:c.999C>G; c.1065C>G, p.Ile355Met (NM_000457.6, NM_178849.3, NM_178850.3); c.999C>G, p.Ile333Met (NM_001030003.3, NM_001030004.3); c.1044C>G, p.Ile348Met (NM_001258355.2); c.990C>G, p.Ile330Met (NM_001287182.2, NM_001287183.2, NM_001287184.2); short protein forms I333M, I330M, I348M, I355M.
Identifiers: ClinVar variation 3587260 (VCV003587260.3).